The following is an entry in ClinVar:

ClinVar aggregate classification (germline): Pathogenic. Review status: criteria provided, single submitter (1 of 4 stars). 2 submissions from 1 submitter: Pathogenic (1). 1 of the submissions does not count toward it. Last evaluated 2022-10-04.

Conditions:
Neuronal ceroid lipofuscinosis. Also called: Neuronal Ceroid Lipofuscinoses. Identifiers: Orphanet 216, Orphanet 79263, MedGen C0027877, MONDO:0016295. Disease mechanism: loss of function.

Submissions (2):

Labcorp Genetics (formerly Invitae), Labcorp
Classification: Pathogenic for Neuronal ceroid lipofuscinosis. Last evaluated: 2022-10-04. Review status: criteria provided, single submitter. Criteria: Invitae Variant Classification Sherloc (09022015). Collection method: clinical testing. Allele origin: germline.
Comment: A gross deletion of the genomic region encompassing the full coding sequence of the CLN5 gene has been identified. Loss-of-function variants in CLN5 are known to be pathogenic (PMID: 20157158). The boundaries of this event are unknown as they extend beyond the assayed region for this gene and therefore may encompass additional genes. Isolated whole-gene deletions of CLN5 have not been reported in the literature. However, larger copy number events that include this gene have been reported (PMID: 32393339). For these reasons, this variant has been classified as Pathogenic.

Labcorp Genetics (formerly Invitae), Labcorp
Classification: Pathogenic. Last evaluated: 2022-08-06. Review status: flagged submission. Criteria: Invitae Variant Classification Sherloc (09022015). Collection method: clinical testing. Allele origin: germline. Not counted in ClinVar's aggregate classification.
Comment: A gross deletion of the genomic region encompassing the full coding sequence of the EDNRB gene has been identified. Loss-of-function variants in EDNRB are known to be pathogenic (PMID: 8001159, 10528251, 20127975, 30394532). The boundaries of this event are unknown as they extend beyond the assayed region for this gene and therefore may encompass additional genes. Isolated whole-gene deletions of EDNRB have not been reported in the literature. However, larger copy number events that include this gene have been reported (PMID: 22589734, 31406620). For these reasons, this variant has been classified as Pathogenic.
ClinVar note: Reason: This record appears to be redundant with a more recent record from the same submitter.
ClinVar note: Notes: SCV003790637 appears to be redundant with SCV001588396.

Literature cited by the submitters: PubMed 20157158; PubMed 32393339; PubMed 8001159; PubMed 10528251; PubMed 20127975; PubMed 30394532; PubMed 22589734; PubMed 31406620.

NC_000013.10:g.(?_77566087)_(78492734_?)del

Genes: MYCBP2 (MYC binding protein 2; minus strand), SCEL (sciellin; plus strand), SLAIN1 (SLAIN motif family member 1; plus strand), FBXL3 (F-box and leucine rich repeat protein 3; minus strand), EDNRB (endothelin receptor type B; minus strand) and 1 more. Cytogenetic location: 13q22.3.
Variant type: Deletion.
Identifiers: ClinVar variation 1074432 (VCV001074432.5).